The following is an entry in ClinVar:

NM_001844.5(COL2A1):c.4127C>A (p.Thr1376Asn)

Gene: COL2A1 (collagen type II alpha 1 chain; minus strand). Cytogenetic location: 12q13.11.
Variant type: single nucleotide variant.
Coding change: c.4127C>A on transcript NM_001844.5 (MANE Select); coding-DNA position 4127, C replaced by A.
Protein change: p.Thr1376Asn; replaces threonine 1376 with asparagine.
Molecular consequence: missense variant.
Genome position (GRCh38, 1-based): chr12:47,974,279, G>T on the plus strand (C>A on the coding strand, the complement: COL2A1 is on the minus strand). VCF-style: chr12-47974279-G-T. GRCh37 (hg19) VCF-style: chr12-48368062-G-T.
Other names: c.3920C>A, p.Thr1307Asn (NM_033150.3); c.4127C>A (NM_001844.4); short protein forms T1307N, T1376N.
Identifiers: ClinVar variation 2971634 (VCV002971634.5), dbSNP rs1405375600, ClinGen allele CA384533800.
Genomic context (GRCh38, chr12:47,974,279, plus strand): 5'-CTGTTCTTGCAGTGGTAGGTGATGTTCTGGGAGCCTTCCGTGGACAGCAGGCGTAGGAAG[G>T]TCATCTGGACGTTGGCAGTGTTGGGAGCCAGATTGTCATCTCCATAGCTGAACTGTTGGG-3'
Protein context (NP_001835.3, residues 1366-1386): LAPNTANVQM[Thr1376Asn]FLRLLSTEGS

ClinVar aggregate classification (germline): Conflicting classifications of pathogenicity. Review status: criteria provided, conflicting classifications (1 of 4 stars). 3 submissions from 3 submitters: Uncertain significance (2); Likely benign (1). Last evaluated 2026-05-21.

Conditions:
COL2A1-related disorder. Also called: COL2A1-related condition; COL2A1-related disorders.

Allele frequency attached by ClinVar (database versions not stated): gnomAD exomes 0.00001.

Submissions (3):

PreventionGenetics, part of Exact Sciences
Classification: Uncertain significance for COL2A1-related condition. Last evaluated: 2026-05-21. Review status: criteria provided, single submitter. Criteria: ACMG Guidelines, 2015. Collection method: clinical testing. Allele origin: germline.
Comment: The COL2A1 c.4127C>A variant is predicted to result in the amino acid substitution p.Thr1376Asn. To our knowledge, this variant has not been reported in the literature. This variant is present in 0.0058% of alleles in individuals of Latino descent in gnomAD. At this time, the clinical significance of this variant is uncertain due to the absence of conclusive functional and genetic evidence.

Labcorp Genetics (formerly Invitae), Labcorp
Classification: Likely benign. Last evaluated: 2025-04-11. Review status: criteria provided, single submitter. Criteria: Invitae Variant Classification Sherloc (09022015). Collection method: clinical testing. Allele origin: germline.

Blueprint Genetics
Classification: Uncertain significance. Last evaluated: 2022-04-06. Review status: criteria provided, single submitter. Criteria: ACMG Guidelines, 2015. Collection method: clinical testing. Allele origin: germline.